The following is an entry in ClinVar:

ClinVar aggregate classification (germline): Uncertain significance (1 of 4 stars; one submission).

Submission:

Labcorp Genetics (formerly Invitae), Labcorp
Classification: Uncertain significance. Last evaluated: 2024-10-31. Review status: criteria provided, single submitter. Criteria: Invitae Variant Classification Sherloc (09022015). Collection method: clinical testing. Allele origin: germline.
Comment: This variant, c.669_680del, results in the deletion of 4 amino acid(s) of the KMT2B protein (p.Pro224_Pro227del), but otherwise preserves the integrity of the reading frame. This variant is present in population databases (rs751589050, gnomAD 0.002%). This variant has not been reported in the literature in individuals affected with KMT2B-related conditions. Experimental studies and prediction algorithms are not available or were not evaluated, and the functional significance of this variant is currently unknown. In summary, the available evidence is currently insufficient to determine the role of this variant in disease. Therefore, it has been classified as a Variant of Uncertain Significance.

NM_014727.3(KMT2B):c.669_680del (p.Pro224_Pro227del)

Gene: KMT2B (lysine methyltransferase 2B; plus strand). Cytogenetic location: 19q13.12.
Variant type: Deletion.
Coding change: c.669_680del on transcript NM_014727.3 (MANE Select); coding-DNA positions 669 to 680, 12 bases deleted (CCCAGGACGGCC).
Protein change: p.Pro224_Pro227del.
Molecular consequence: inframe deletion.
Genome position (GRCh38, 1-based): chr19:35,720,016-35,720,027, CCCAGGACGGCC deleted; deleting any 12 consecutive bases within chr19:35,720,008-35,720,027 gives the same sequence; the c. name uses the placement nearest the transcript's 3' end. VCF-style (leftmost placement, unchanged base first): chr19-35720007-GGGACGGCCCCCA-G. GRCh37 (hg19) VCF-style: chr19-36210909-GGGACGGCCCCCA-G.
Identifiers: ClinVar variation 3608053 (VCV003608053.2).
Genomic context (GRCh38, chr19:35,720,007, plus strand): 5'-CCAGGCACCCCAAGCACCCCGGAGCCGGGCATGTGAGCCCTCCACCCCCCGGCGGTCTCG[GGGACGGCCCCCA>G]GGACGGCCAGCAGGCCCCTGCAGGAGGAAGCAGCAAGCAGTAGTGGTGGCAGAAGCAGCT-3'